The following is an entry in ClinVar:

NM_173076.3(ABCA12):c.1842A>G (p.Leu614=)

Gene: ABCA12 (ATP binding cassette subfamily A member 12; minus strand). Cytogenetic location: 2q35.
Variant type: single nucleotide variant.
Coding change: c.1842A>G on transcript NM_173076.3 (MANE Select); coding-DNA position 1842, A replaced by G.
Protein change: p.Leu614=; no amino-acid change (leucine 614 retained).
Molecular consequence: synonymous variant. On other transcripts: non-coding transcript variant (1).
Genome position (GRCh38, 1-based): chr2:215,015,604, T>C on the plus strand (A>G on the coding strand, the complement: ABCA12 is on the minus strand). VCF-style: chr2-215015604-T-C. GRCh37 (hg19) VCF-style: chr2-215880328-T-C.
Other names: c.888A>G, p.Leu296= (NM_015657.4).
Identifiers: ClinVar variation 3060383 (VCV003060383.2), dbSNP rs1400053955, ClinGen allele CA431151722.
Genomic context (GRCh38, chr2:215,015,604, plus strand): 5'-GTAAGACTGCCGGGATCTCTCTGAAAGAGACAGGTTGCAGAATTCTTTCATTGCATCTTC[T>C]AGTTTGGGAGTGGTGATATTAGTATCACAGGAATGCAGCCAGAACACCTGAGAAATAATC-3'
Protein context (NP_775099.2, residues 604-624): SCDTNITTPK[Leu614=]EDAMKEFCNL

ClinVar aggregate classification (germline): Likely benign (0 of 4 stars; one submission).

Conditions:
ABCA12-related disorder. Also called: ABCA12-related condition.

Allele frequency attached by ClinVar (database versions not stated): gnomAD exomes below 0.00001; gnomAD 0.00001.
gnomAD v4.1: 2 of 1,613,968 alleles (0.00012%); highest among the groups gnomAD compares: South Asian, 0.0022%; no homozygotes.

Submission:

PreventionGenetics, part of Exact Sciences
Classification: Likely benign for ABCA12-related condition. Last evaluated: 2021-12-20. Review status: no assertion criteria provided. Collection method: clinical testing. Allele origin: germline.
Comment: This variant is classified as likely benign based on ACMG/AMP sequence variant interpretation guidelines (Richards et al. 2015 PMID: 25741868, with internal and published modifications).